The following is an entry in ClinVar:

NM_006231.4(POLE):c.107A>T (p.Glu36Val)

Gene: POLE (DNA polymerase epsilon, catalytic subunit; minus strand). Cytogenetic location: 12q24.33.
Variant type: single nucleotide variant.
Coding change: c.107A>T on transcript NM_006231.4 (MANE Select); coding-DNA position 107, A replaced by T.
Protein change: p.Glu36Val; replaces glutamic acid 36 with valine.
Molecular consequence: missense variant.
Genome position (GRCh38, 1-based): chr12:132,681,235, T>A on the plus strand (A>T on the coding strand, the complement: POLE is on the minus strand). VCF-style: chr12-132681235-T-A. GRCh37 (hg19) VCF-style: chr12-133257821-T-A.
Other names: short protein forms E36V.
Identifiers: ClinVar variation 2093387 (VCV002093387.4), dbSNP rs2542197998, ClinGen allele CA387370392.

ClinVar aggregate classification (germline): Uncertain significance (1 of 4 stars; one submission).

Submission:

Labcorp Genetics (formerly Invitae), Labcorp
Classification: Uncertain significance. Last evaluated: 2022-02-05. Review status: criteria provided, single submitter. Criteria: Invitae Variant Classification Sherloc (09022015). Collection method: clinical testing. Allele origin: germline.
Comment: This variant has not been reported in the literature in individuals affected with POLE-related conditions. In summary, the available evidence is currently insufficient to determine the role of this variant in disease. Therefore, it has been classified as a Variant of Uncertain Significance. Algorithms developed to predict the effect of sequence changes on RNA splicing suggest that this variant may create or strengthen a splice site. Algorithms developed to predict the effect of missense changes on protein structure and function (SIFT, PolyPhen-2, Align-GVGD) all suggest that this variant is likely to be tolerated. This variant is not present in population databases (gnomAD no frequency). This sequence change replaces glutamic acid, which is acidic and polar, with valine, which is neutral and non-polar, at codon 36 of the POLE protein (p.Glu36Val).